The following is an entry in ClinVar:

ClinVar aggregate classification (germline): Uncertain significance (1 of 4 stars; one submission).

Conditions:
Inborn genetic diseases. Identifiers: MedGen C0950123, MeSH D030342.

Submission:

Ambry Genetics
Classification: Uncertain significance for Inborn genetic diseases. Last evaluated: 2025-05-05. Review status: criteria provided, single submitter. Criteria: Ambry Variant Classification Scheme 2023. Collection method: clinical testing. Allele origin: germline.
Comment: The p.E1612G variant (also known as c.4835A>G), located in coding exon 20 of the FANCM gene, results from an A to G substitution at nucleotide position 4835. The glutamic acid at codon 1612 is replaced by glycine, an amino acid with similar properties. This amino acid position is conserved. In addition, the in silico prediction for this alteration is inconclusive. Based on the available evidence, the clinical significance of this variant remains unclear.

NM_020937.4(FANCM):c.4835A>G (p.Glu1612Gly)

Gene: FANCM (FA complementation group M; plus strand). Cytogenetic location: 14q21.2.
Variant type: single nucleotide variant.
Coding change: c.4835A>G on transcript NM_020937.4 (MANE Select); coding-DNA position 4835, A replaced by G.
Protein change: p.Glu1612Gly; replaces glutamic acid 1612 with glycine.
Molecular consequence: missense variant.
Genome position (GRCh38, 1-based): chr14:45,188,857, A>G. VCF-style: chr14-45188857-A-G. GRCh37 (hg19) VCF-style: chr14-45658060-A-G.
Other names: c.4757A>G, p.Glu1586Gly (NM_001308133.2); short protein forms E1586G, E1612G.
Identifiers: ClinVar variation 4022748 (VCV004022748.1).